The following is an entry in ClinVar:

ClinVar aggregate classification (germline): Benign. Review status: criteria provided, multiple submitters, no conflicts (2 of 4 stars). 4 submissions from 4 submitters: Benign (4). Last evaluated 2024-07-31.

Conditions:
Dystonia 25 (DYT25). Also called: DYT-GNAL. Identifiers: Orphanet 329466, MedGen C4304670, MONDO:0014033, OMIM 615073.

Allele frequency attached by ClinVar (database versions not stated): 1000 Genomes Project 30x 0.63898; 1000 Genomes Project 0.63958; TOPMed 0.66722; ESP Exome Variant Server 0.67630; gnomAD 0.67842 and 0.68234; ExAC 0.74314; gnomAD exomes 0.75892 and 0.78073.
gnomAD v4.1: 912,428 of 1,188,904 alleles (77%); highest among the groups gnomAD compares: Admixed American, 86%; 357,278 homozygotes.

Submissions (4):

Unidad de Genómica Garrahan, Hospital de Pediatría Garrahan
Classification: Benign. Last evaluated: 2024-07-31. Review status: criteria provided, single submitter. Criteria: ACMG Guidelines, 2015. Collection method: clinical testing. Allele origin: germline. Affected: no. Observed: 89 variant alleles.
Comment: This variant is classified as Benign based on local population frequency. This variant was detected in 96% of patients studied in a panel designed for Epileptic and Developmental Encephalopathy, Progressive Myoclonus Epilepsy and Abnormal Movements and Neurodegeneration with brain iron accumulation. Number of patients: 89. Only high quality variants are reported.

Genome-Nilou Lab
Classification: Benign for Dystonia 25. Last evaluated: 2021-08-10. Review status: criteria provided, single submitter. Criteria: ACMG Guidelines, 2015. Collection method: clinical testing. Allele origin: germline. Affected: no.

GeneDx
Classification: Benign. Last evaluated: 2019-08-20. Review status: criteria provided, single submitter. Criteria: GeneDx Variant Classification Process June 2021. Collection method: clinical testing. Allele origin: germline. Affected: yes.

Breakthrough Genomics
Classification: Benign. Review status: criteria provided, single submitter. Criteria: ACMG Guidelines, 2015. Collection method: not provided. Allele origin: germline. Inheritance: Autosomal dominant inheritance. Affected: yes.

NM_182978.4(GNAL):c.625-31T>G

Gene: GNAL (G protein subunit alpha L; plus strand). Cytogenetic location: 18p11.21.
Variant type: single nucleotide variant.
Coding change: c.625-31T>G on transcript NM_182978.4 (MANE Select); 31 bases into the intron before coding-DNA position 625, T replaced by G.
Molecular consequence: intron variant.
Genome position (GRCh38, 1-based): chr18:11,824,887, T>G. VCF-style: chr18-11824887-T-G. GRCh37 (hg19) VCF-style: chr18-11824886-T-G.
Other names: c.394-31T>G (NM_001261443.2, NM_001142339.3, NM_001369387.1).
Identifiers: ClinVar variation 1285298 (VCV001285298.7), dbSNP rs1647557, ClinGen allele CA8893953.